The following is an entry in ClinVar:

ClinVar aggregate classification (germline): Uncertain significance. Review status: criteria provided, multiple submitters, no conflicts (2 of 4 stars). 4 submissions from 4 submitters: Uncertain significance (2). 2 of the submissions do not count toward it. Last evaluated 2023-10-16.

Conditions:
Inborn genetic diseases. Identifiers: MedGen C0950123, MeSH D030342.
RPGRIP1L-related disorder. Also called: RPGRIP1L-related disorders; RPGRIP1L-related condition. Identifiers: MedGen CN239416.
Joubert syndrome. Also called: JOUBERT-BOLTSHAUSER SYNDROME; Familial aplasia of the vermis. Identifiers: Orphanet 475, MedGen C5979921, MONDO:0018772.
Meckel-Gruber syndrome. Also called: DYSENCEPHALIA SPLANCHNOCYSTICA; GRUBER SYNDROME; Dysencephalia splachnocystica. Identifiers: Orphanet 564, MedGen C0265215, MONDO:0018921.

Allele frequency attached by ClinVar (database versions not stated): gnomAD 0.00001; TOPMed 0.00001; gnomAD exomes 0.00001 and 0.00003.
gnomAD v4.1: 39 of 1,613,964 alleles (0.0024%); highest among the groups gnomAD compares: South Asian, 0.0044%; no homozygotes.

Submissions (4):

Ambry Genetics
Classification: Uncertain significance for Inborn genetic diseases. Last evaluated: 2023-10-16. Review status: criteria provided, single submitter. Criteria: Ambry Variant Classification Scheme 2023. Collection method: clinical testing. Allele origin: germline.

Labcorp Genetics (formerly Invitae), Labcorp
Classification: Uncertain significance for Joubert syndrome; Meckel-Gruber syndrome. Last evaluated: 2021-09-01. Review status: criteria provided, single submitter. Criteria: Invitae Variant Classification Sherloc (09022015). Collection method: clinical testing. Allele origin: germline.
Comment: This sequence change replaces proline with leucine at codon 1182 of the RPGRIP1L protein (p.Pro1182Leu). The proline residue is moderately conserved and there is a moderate physicochemical difference between proline and leucine. This variant is not present in population databases (ExAC no frequency). This variant has not been reported in the literature in individuals affected with RPGRIP1L-related conditions. Algorithms developed to predict the effect of missense changes on protein structure and function (SIFT, PolyPhen-2, Align-GVGD) all suggest that this variant is likely to be tolerated. In summary, the available evidence is currently insufficient to determine the role of this variant in disease. Therefore, it has been classified as a Variant of Uncertain Significance.

PreventionGenetics, part of Exact Sciences
Classification: Uncertain significance for RPGRIP1L-related condition. Last evaluated: 2024-04-17. Review status: no assertion criteria provided. Collection method: clinical testing. Allele origin: germline. Not counted in ClinVar's aggregate classification.
Comment: The RPGRIP1L c.3545C>T variant is predicted to result in the amino acid substitution p.Pro1182Leu. To our knowledge, this variant has not been reported in the literature. This variant is reported in 0.0033% of alleles in individuals of South Asian descent in gnomAD. At this time, the clinical significance of this variant is uncertain due to the absence of conclusive functional and genetic evidence.

Natera, Inc.
Classification: Uncertain significance for Joubert syndrome. Last evaluated: 2020-02-04. Review status: no assertion criteria provided. Collection method: clinical testing. Allele origin: germline. Not counted in ClinVar's aggregate classification.

NM_015272.5(RPGRIP1L):c.3545C>T (p.Pro1182Leu)

Gene: RPGRIP1L (RPGRIP1 like; minus strand). Cytogenetic location: 16q12.2.
Variant type: single nucleotide variant.
Coding change: c.3545C>T on transcript NM_015272.5 (MANE Select); coding-DNA position 3545, C replaced by T.
Protein change: p.Pro1182Leu; replaces proline 1182 with leucine.
Molecular consequence: missense variant.
Genome position (GRCh38, 1-based): chr16:53,619,096, G>A on the plus strand (C>T on the coding strand, the complement: RPGRIP1L is on the minus strand). VCF-style: chr16-53619096-G-A. GRCh37 (hg19) VCF-style: chr16-53653008-G-A.
Other names: c.3305C>T, p.Pro1102Leu (NM_001127897.4); c.3407C>T, p.Pro1136Leu (NM_001308334.3); c.3443C>T, p.Pro1148Leu (NM_001330538.2); c.3545C>T (NM_015272.4, NM_015272.2); short protein forms P1102L, P1136L, P1148L, P1182L.
Identifiers: ClinVar variation 1015520 (VCV001015520.9), dbSNP rs1446510817, ClinGen allele CA395923480.